The following is an entry in ClinVar:

NM_172107.4(KCNQ2):c.2329C>T (p.Pro777Ser)

Gene: KCNQ2 (potassium voltage-gated channel subfamily Q member 2; minus strand). Cytogenetic location: 20q13.33.
Variant type: single nucleotide variant.
Coding change: c.2329C>T on transcript NM_172107.4 (MANE Select); coding-DNA position 2329, C replaced by T.
Protein change: p.Pro777Ser; replaces proline 777 with serine.
Molecular consequence: missense variant.
Genome position (GRCh38, 1-based): chr20:63,406,934, G>A on the plus strand (C>T on the coding strand, the complement: KCNQ2 is on the minus strand). VCF-style: chr20-63406934-G-A. GRCh37 (hg19) VCF-style: chr20-62038287-G-A.
Other names: p.P777S:CCC>TCC; c.2275C>T, p.Pro759Ser (NM_172106.3); c.2236C>T, p.Pro746Ser (NM_172108.5); c.2383C>T, p.Pro795Ser (NM_001382235.1); c.2272C>T, p.Pro758Ser (NM_001439003.1); c.2242C>T, p.Pro748Ser (NM_001439004.1); c.2245C>T, p.Pro749Ser (NM_004518.6); short protein forms P777S, P746S, P749S, P759S, P795S, P748S, P758S.
Identifiers: ClinVar variation 205850 (VCV000205850.46), dbSNP rs748400155, ClinGen allele CA315318.
Genomic context (GRCh38, chr20:63,406,934, plus strand): 5'-CCTCGTGGTCCACGGACGGGATGGAGATGGACGTGTCGCTGTCCCGCAGGTTCCCCTCGG[G>A]GGGCCTGCAGCCCGGGGTGTCCTCCTGCCGCAGGAACTCCATGCTGGCGCGGTTGCCCCC-3'
Protein context (NP_742105.1, residues 767-787): RQEDTPGCRP[Pro777Ser]EGNLRDSDTS

ClinVar aggregate classification (germline): Conflicting classifications of pathogenicity. Review status: criteria provided, conflicting classifications (1 of 4 stars). 7 submissions from 7 submitters: Uncertain significance (2); Likely benign (5). Last evaluated 2025-10-01.

Conditions:
Early-infantile DEE. Also called: Early infantile epileptic encephalopathy; Ohtahara syndrome; Early infantile epileptic encephalopathy with suppression bursts. Identifiers: Orphanet 1934, MedGen C0393706, MONDO:0800491.
Inborn genetic diseases. Identifiers: MedGen C0950123, MeSH D030342.
Continuous spike and waves during slow sleep. Identifiers: MedGen C3806403, HP:0031491.
Intellectual disability. Also called: Intellectual developmental disorder; Intellectual functioning disability; intellectual disabilities. Identifiers: MedGen C3714756, MeSH D008607, MONDO:0001071, HP:0001249.

Allele frequency attached by ClinVar (database versions not stated): gnomAD 0.00001; gnomAD exomes 0.00002 and 0.00001; TOPMed 0.00002; ExAC 0.00004.
gnomAD v4.1: 38 of 1,598,814 alleles (0.0024%); highest among the groups gnomAD compares: Middle Eastern, 0.016%; no homozygotes.

Submissions (7):

CeGaT Center for Human Genetics Tuebingen
Classification: Likely benign. Last evaluated: 2025-10-01. Review status: criteria provided, single submitter. Criteria: CeGaT Center For Human Genetics Tuebingen Variant Classification Criteria Version 2. Collection method: clinical testing. Allele origin: germline. Affected: yes. Observed: 5 variant alleles.
Comment: KCNQ2: PM2:Supporting, BP4, BP5

Labcorp Genetics (formerly Invitae), Labcorp
Classification: Uncertain significance for Early-infantile DEE. Last evaluated: 2025-10-01. Review status: criteria provided, single submitter. Criteria: Invitae Variant Classification Sherloc (09022015). Collection method: clinical testing. Allele origin: germline.
Comment: This sequence change replaces proline, which is neutral and non-polar, with serine, which is neutral and polar, at codon 777 of the KCNQ2 protein (p.Pro777Ser). This variant is present in population databases (rs748400155, gnomAD 0.003%). This missense change has been observed in individuals with KCNQ2 related conditions (internal data). ClinVar contains an entry for this variant (Variation ID: 205850). An algorithm developed to predict the effect of missense changes on protein structure and function outputs the following: PolyPhen-2: "Benign". The serine amino acid residue is found in multiple mammalian species, which suggests that this missense change does not adversely affect protein function. In summary, the available evidence is currently insufficient to determine the role of this variant in disease. Therefore, it has been classified as a Variant of Uncertain Significance.

Blueprint Genetics
Classification: Likely benign. Last evaluated: 2024-11-17. Review status: criteria provided, single submitter. Criteria: ACMG Guidelines, 2015. Collection method: clinical testing. Allele origin: germline.

GeneDx
Classification: Likely benign. Last evaluated: 2020-05-04. Review status: criteria provided, single submitter. Criteria: GeneDx Variant Classification Process June 2021. Collection method: clinical testing. Allele origin: germline. Affected: yes.

Cambridge Genomics Laboratory, East Genomic Laboratory Hub, NHS Genomic Medicine Service
Classification: Likely benign for Intellectual disability. Last evaluated: 2019-05-16. Review status: criteria provided, single submitter. Criteria: ACGS Best Practice Guidelines for Variant Classification in Rare Disease 2020. Collection method: clinical testing. Allele origin: germline. Affected: yes. Observed: 1 variant allele.

Ambry Genetics
Classification: Likely benign for Inborn genetic diseases. Last evaluated: 2018-06-25. Review status: criteria provided, single submitter. Criteria: Ambry Variant Classification Scheme 2023. Collection method: clinical testing. Allele origin: germline.

Neurogenetics Laboratory - MEYER, AOU Meyer
Classification: Uncertain significance for Continuous spike and waves during slow sleep. Last evaluated: 2016-11-16. Review status: criteria provided, single submitter. Criteria: ACMG Guidelines, 2015. Collection method: clinical testing. Allele origin: unknown. Affected: yes. Observed: 1 heterozygote.